The following is an entry in ClinVar:

ClinVar aggregate classification (germline): Benign/Likely benign. Review status: criteria provided, multiple submitters, no conflicts (2 of 4 stars). 17 submissions from 16 submitters: Benign (13); Likely benign (1). 3 of the submissions do not count toward it. Last evaluated 2026-02-04.

Conditions:
Autoinflammatory syndrome. Identifiers: Orphanet 93665, MedGen C3890737, MONDO:0019751.
Inborn genetic diseases. Identifiers: MedGen C0950123, MeSH D030342.
Familial Mediterranean fever, autosomal dominant. Also called: FMF, AUTOSOMAL DOMINANT; Dominant Familial Mediterranean Fever. Identifiers: Orphanet 342, MedGen C1851347, MONDO:0007601, OMIM 134610.
Familial Mediterranean fever (FMF). Also called: Periodic peritonitis; Benign paroxysmal peritonitis; POLYSEROSITIS, FAMILIAL PAROXYSMAL; POLYSEROSITIS, RECURRENT. Identifiers: Orphanet 342, MedGen C0031069, MONDO:0018088, OMIM 249100. Disease mechanism: gain of function.

Allele frequency attached by ClinVar (database versions not stated): ESP Exome Variant Server 0.58419; ExAC 0.61042; gnomAD exomes 0.61201 and 0.56722; 1000 Genomes Project 0.66314; 1000 Genomes Project 30x 0.66615; gnomAD 0.59561 and 0.60051; TOPMed 0.60807.

Submissions (17):

Labcorp Genetics (formerly Invitae), Labcorp
Classification: Benign for Familial Mediterranean fever. Last evaluated: 2026-02-04. Review status: criteria provided, single submitter. Criteria: Invitae Variant Classification Sherloc (09022015). Collection method: clinical testing. Allele origin: germline.

ARUP Laboratories, Molecular Genetics and Genomics, ARUP Laboratories
Classification: Benign. Last evaluated: 2025-07-31. Review status: criteria provided, single submitter. Criteria: ARUP Molecular Germline Variant Investigation Process 2024. Collection method: clinical testing. Allele origin: germline.

Blueprint Genetics
Classification: Likely benign. Last evaluated: 2024-11-27. Review status: criteria provided, single submitter. Criteria: ACMG Guidelines, 2015. Collection method: clinical testing. Allele origin: germline.

Unidad de Genómica Garrahan, Hospital de Pediatría Garrahan
Classification: Benign. Last evaluated: 2023-11-12. Review status: criteria provided, single submitter. Criteria: ACMG Guidelines, 2015. Collection method: clinical testing. Allele origin: germline. Affected: no. Observed: 85 variant alleles.
Comment: This variant is classified as Benign based on local population frequency. This variant was detected in 89% of patients studied by a panel of primary immunodeficiencies. Number of patients: 85. Only high quality variants are reported.

Mayo Clinic Laboratories, Mayo Clinic
Classification: Benign. Last evaluated: 2022-03-09. Review status: criteria provided, single submitter. Criteria: ACMG Guidelines, 2015. Collection method: clinical testing. Allele origin: germline. Observed: 1,106 variant alleles.

Genome-Nilou Lab
Classification: Benign for Familial Mediterranean fever, autosomal dominant. Last evaluated: 2021-07-01. Review status: criteria provided, single submitter. Criteria: ACMG Guidelines, 2015. Collection method: clinical testing. Allele origin: germline. Affected: no.

Genome-Nilou Lab
Classification: Benign for Familial Mediterranean fever. Last evaluated: 2021-07-01. Review status: criteria provided, single submitter. Criteria: ACMG Guidelines, 2015. Collection method: clinical testing. Allele origin: germline. Affected: no.

Illumina Laboratory Services, Illumina
Classification: Benign for Familial Mediterranean fever. Last evaluated: 2018-01-13. Review status: criteria provided, single submitter. Criteria: ICSL Variant Classification Criteria 13 December 2019. Collection method: clinical testing. Allele origin: germline.
Comment: This variant was observed in the ICSL laboratory as part of a predisposition screen in an ostensibly healthy population. It had not been previously curated by ICSL or reported in the Human Gene Mutation Database (HGMD: prior to June 1st, 2018), and was therefore a candidate for classification through an automated scoring system. Utilizing variant allele frequency, disease prevalence and penetrance estimates, and inheritance mode, an automated score was calculated to assess if this variant is too frequent to cause the disease. Based on the score and internal cut-off values, a variant classified as benign is not then subjected to further curation. The score for this variant resulted in a classification of benign for this disease.

Genome Diagnostics Laboratory, The Hospital for Sick Children
Classification: Benign for Autoinflammatory syndrome. Last evaluated: 2016-12-12. Review status: criteria provided, single submitter. Criteria: ACMG Guidelines, 2015. Collection method: clinical testing. Allele origin: germline. Affected: yes.

Ambry Genetics
Classification: Benign for Inborn genetic diseases. Last evaluated: 2016-07-12. Review status: criteria provided, single submitter. Criteria: Ambry Variant Classification Scheme 2023. Collection method: clinical testing. Allele origin: germline.

GeneDx
Classification: Benign. Last evaluated: 2015-03-03. Review status: criteria provided, single submitter. Criteria: GeneDx Variant Classification Process June 2021. Collection method: clinical testing. Allele origin: germline. Affected: yes.

Women's Health and Genetics/Laboratory Corporation of America, LabCorp
Classification: Benign for Familial Mediterranean Fever. Last evaluated: 2011-08-18. Review status: criteria provided, single submitter. Criteria: LabCorp Variant Classification Summary - May 2015. Collection method: curation, clinical testing. Allele origin: germline. Inheritance: autosomal unknown. Affected: yes.
ClinVar note: Converted during submission from benign to Benign.

Breakthrough Genomics
Classification: Benign. Review status: criteria provided, single submitter. Criteria: ACMG Guidelines, 2015. Collection method: not provided. Allele origin: germline. Inheritance: Autosomal recessive inheritance. Affected: yes.

PreventionGenetics, part of Exact Sciences
Classification: Benign. Review status: criteria provided, single submitter. Criteria: ACMG Guidelines, 2015. Collection method: clinical testing. Allele origin: germline.

Natera, Inc.
Classification: Benign for Familial Mediterranean fever. Last evaluated: 2020-09-16. Review status: no assertion criteria provided. Collection method: clinical testing. Allele origin: germline. Not counted in ClinVar's aggregate classification.

Diagnostic Laboratory, Department of Genetics, University Medical Center Groningen
Classification: Benign. Review status: no assertion criteria provided. Collection method: clinical testing. Allele origin: germline. Affected: yes. Study: VKGL Data-share Consensus. Not counted in ClinVar's aggregate classification.

Genome Diagnostics Laboratory, University Medical Center Utrecht
Classification: Benign. Review status: no assertion criteria provided. Collection method: clinical testing. Allele origin: germline. Affected: yes. Study: VKGL Data-share Consensus. Not counted in ClinVar's aggregate classification.

Literature cited by the submitters: PubMed 10364520 (cited by Women's Health and Genetics/Laboratory Corporation of America, LabCorp); PubMed 9288758 (cited by Women's Health and Genetics/Laboratory Corporation of America, LabCorp).

NM_000243.3(MEFV):c.1530T>C (p.Asp510=)

Gene: MEFV (MEFV innate immunity regulator, pyrin; minus strand). Cytogenetic location: 16p13.3.
Variant type: single nucleotide variant.
Coding change: c.1530T>C on transcript NM_000243.3 (MANE Select); coding-DNA position 1530, T replaced by C.
Protein change: p.Asp510=; no amino-acid change (aspartic acid 510 retained).
Molecular consequence: synonymous variant.
Genome position (GRCh38, 1-based): chr16:3,247,073, A>G on the plus strand (T>C on the coding strand, the complement: MEFV is on the minus strand). VCF-style: chr16-3247073-A-G. GRCh37 (hg19) VCF-style: chr16-3297073-A-G.
Other names: p.Asp510=; c.897T>C, p.Asp299= (NM_001198536.2).
Identifiers: ClinVar variation 36503 (VCV000036503.46), dbSNP rs224206, ClinGen allele CA280257.